The following is an entry in ClinVar:

NM_030957.4(ADAMTS10):c.1993C>T (p.Arg665Cys)

Gene: ADAMTS10 (ADAM metallopeptidase with thrombospondin type 1 motif 10; minus strand). Cytogenetic location: 19p13.2.
Variant type: single nucleotide variant.
Coding change: c.1993C>T on transcript NM_030957.4 (MANE Select); coding-DNA position 1993, C replaced by T.
Protein change: p.Arg665Cys; replaces arginine 665 with cysteine.
Molecular consequence: missense variant.
Genome position (GRCh38, 1-based): chr19:8,589,493, G>A on the plus strand (C>T on the coding strand, the complement: ADAMTS10 is on the minus strand). VCF-style: chr19-8589493-G-A. GRCh37 (hg19) VCF-style: chr19-8654377-G-A.
Other names: c.454C>T, p.Arg152Cys (NM_001282352.2); c.1993C>T (NM_030957.2); short protein forms R665C, R152C.
Identifiers: ClinVar variation 1950574 (VCV001950574.4), dbSNP rs782344138, ClinGen allele CA9160285.

ClinVar aggregate classification (germline): Uncertain significance. Review status: criteria provided, multiple submitters, no conflicts (2 of 4 stars). 2 submissions from 2 submitters: Uncertain significance (2). Last evaluated 2025-05-20.

Conditions:
Inborn genetic diseases. Identifiers: MedGen C0950123, MeSH D030342.

Allele frequency attached by ClinVar (database versions not stated): gnomAD exomes below 0.00001; ExAC 0.00001; TOPMed 0.00001.
gnomAD v4.1: 5 of 1,612,482 alleles (0.00031%); highest among the groups gnomAD compares: Non-Finnish European, 0.00042%; no homozygotes.

Submissions (2):

Ambry Genetics
Classification: Uncertain significance for Inborn genetic diseases. Last evaluated: 2025-05-20. Review status: criteria provided, single submitter. Criteria: Ambry Variant Classification Scheme 2023. Collection method: clinical testing. Allele origin: germline.

Labcorp Genetics (formerly Invitae), Labcorp
Classification: Uncertain significance. Last evaluated: 2022-05-28. Review status: criteria provided, single submitter. Criteria: Invitae Variant Classification Sherloc (09022015). Collection method: clinical testing. Allele origin: germline.
Comment: This sequence change replaces arginine, which is basic and polar, with cysteine, which is neutral and slightly polar, at codon 665 of the ADAMTS10 protein (p.Arg665Cys). In summary, the available evidence is currently insufficient to determine the role of this variant in disease. Therefore, it has been classified as a Variant of Uncertain Significance. Algorithms developed to predict the effect of missense changes on protein structure and function (SIFT, PolyPhen-2, Align-GVGD) all suggest that this variant is likely to be disruptive. This variant has not been reported in the literature in individuals affected with ADAMTS10-related conditions. This variant is present in population databases (rs782344138, gnomAD 0.0009%).